The following is an entry in ClinVar:

ClinVar aggregate classification (germline): Benign/Likely benign. Review status: criteria provided, multiple submitters, no conflicts (2 of 4 stars). 4 submissions from 4 submitters: Benign (2); Likely benign (1). 1 of the submissions does not count toward it. Last evaluated 2026-01-15.

Conditions:
KAT6B-related disorder. Also called: KAT6B-related disorders; KAT6B-related condition.
Genitopatellar syndrome (GTPTS). Also called: Genitopatellar syndrome (GPS); ABSENT PATELLAE, SCROTAL HYPOPLASIA, RENAL ANOMALIES, FACIAL DYSMORPHISM, AND MENTAL RETARDATION. Identifiers: Orphanet 85201, MedGen C1853566, MONDO:0011640, OMIM 606170.

Allele frequency attached by ClinVar (database versions not stated): gnomAD exomes 0.00010 and 0.00021; ExAC 0.00022; 1000 Genomes Project 30x 0.00031; 1000 Genomes Project 0.00040; ESP Exome Variant Server 0.00085; gnomAD 0.00092 and 0.00101; TOPMed 0.00101.
gnomAD v4.1: 294 of 1,550,284 alleles (0.019%); highest among the groups gnomAD compares: African/African-American, 0.35%; no homozygotes.

Submissions (4):

Labcorp Genetics (formerly Invitae), Labcorp
Classification: Benign for Genitopatellar syndrome. Last evaluated: 2026-01-15. Review status: criteria provided, single submitter. Criteria: Invitae Variant Classification Sherloc (09022015). Collection method: clinical testing. Allele origin: germline.

Blueprint Genetics
Classification: Likely benign. Last evaluated: 2023-10-13. Review status: criteria provided, single submitter. Criteria: ACMG Guidelines, 2015. Collection method: clinical testing. Allele origin: germline.

GeneDx
Classification: Benign. Last evaluated: 2020-04-13. Review status: criteria provided, single submitter. Criteria: GeneDx Variant Classification Process June 2021. Collection method: clinical testing. Allele origin: germline. Affected: yes.

PreventionGenetics, part of Exact Sciences
Classification: Likely benign for KAT6B-related condition. Last evaluated: 2019-05-03. Review status: no assertion criteria provided. Collection method: clinical testing. Allele origin: germline. Not counted in ClinVar's aggregate classification.
Comment: This variant is classified as likely benign based on ACMG/AMP sequence variant interpretation guidelines (Richards et al. 2015 PMID: 25741868, with internal and published modifications).

NM_012330.4(KAT6B):c.2231+9A>G

Gene: KAT6B (lysine acetyltransferase 6B; plus strand). Cytogenetic location: 10q22.2.
Variant type: single nucleotide variant.
Coding change: c.2231+9A>G on transcript NM_012330.4 (MANE Select); 9 bases into the intron after coding-DNA position 2231, A replaced by G.
Molecular consequence: intron variant.
Genome position (GRCh38, 1-based): chr10:74,979,348, A>G. VCF-style: chr10-74979348-A-G. GRCh37 (hg19) VCF-style: chr10-76739106-A-G.
Other names: c.2231+9A>G (NM_012330.3, NM_001370136.1, NM_001370137.1); c.1355+9A>G (NM_001370139.1, NM_001370140.1, NM_001370141.1 and 3 more transcripts); c.1682+9A>G (NM_001370138.1, NM_001256468.2); c.846+9573A>G (NM_001370133.1); c.308+9A>G (NM_001370134.1); c.1166+9A>G (NM_001370143.1, NM_001370144.1); c.193-9671A>G (NM_001370135.1).
Identifiers: ClinVar variation 1166107 (VCV001166107.15), dbSNP rs201260397, ClinGen allele CA5564550.
Genomic context (GRCh38, chr10:74,979,348, plus strand): 5'-AATATGAAATCCAAACCTGGTACTCCTCGCCTTACCCACAGGAATATGCAAGGTAATGGA[A>G]TAAGTCTGGCAGGTGTATAACTTGAATGTCACATATGTGAGAAAGGAAAATTCTTGATTC-3'